The following is an entry in ClinVar:

NM_005121.3(MED13):c.5846T>G (p.Leu1949Arg)

Gene: MED13 (mediator complex subunit 13; minus strand). Cytogenetic location: 17q23.2.
Variant type: single nucleotide variant.
Coding change: c.5846T>G on transcript NM_005121.3 (MANE Select); coding-DNA position 5846, T replaced by G.
Protein change: p.Leu1949Arg; replaces leucine 1949 with arginine.
Molecular consequence: missense variant.
Genome position (GRCh38, 1-based): chr17:61,955,504, A>C on the plus strand (T>G on the coding strand, the complement: MED13 is on the minus strand). VCF-style: chr17-61955504-A-C. GRCh37 (hg19) VCF-style: chr17-60032865-A-C.
Other names: short protein forms L1949R.
Identifiers: ClinVar variation 2499742 (VCV002499742.2), dbSNP rs2509213093, ClinGen allele CA400503728.
Genomic context (GRCh38, chr17:61,955,504, plus strand): 5'-ACAGAAGCAGAAGTAGGAAACACAAGTATATGAGTACATGATGTATCCTGTGGGGTATTT[A>C]GCTGAGATGTCTGCATATTTAGAGTCGTGCTTCTTCCAAATACAGAACCAGTTGACACAG-3'
Protein context (NP_005112.2, residues 1939-1959): STTLNMQTSQ[Leu1949Arg]NTPQDTSCTH

ClinVar aggregate classification (germline): Uncertain significance (1 of 4 stars; one submission).

Submission:

GeneDx
Classification: Uncertain significance. Last evaluated: 2023-06-21. Review status: criteria provided, single submitter. Criteria: GeneDx Variant Classification Process June 2021. Collection method: clinical testing. Allele origin: germline.
Comment: Not observed at significant frequency in large population cohorts (gnomAD); In silico analysis supports that this missense variant has a deleterious effect on protein structure/function; Has not been previously published as pathogenic or benign to our knowledge